The following is an entry in ClinVar:

ClinVar aggregate classification (germline): Uncertain significance (1 of 4 stars; one submission).

Conditions:
Hereditary cancer-predisposing syndrome. Also called: Neoplastic Syndromes, Hereditary; Tumor predisposition; Hereditary neoplastic syndrome; Hereditary Cancer Syndrome. Identifiers: Orphanet 140162, MedGen C0027672, MeSH D009386, MONDO:0015356.

Submission:

Ambry Genetics
Classification: Uncertain significance for Hereditary cancer-predisposing syndrome. Last evaluated: 2026-07-28. Review status: criteria provided, single submitter. Criteria: Ambry Variant Classification Scheme 2023. Collection method: clinical testing. Allele origin: germline.
Comment: The p.L201F variant (also known as c.603G>T), located in coding exon 5 of the SDHA gene, results from a G to T substitution at nucleotide position 603. The leucine at codon 201 is replaced by phenylalanine, an amino acid with highly similar properties. This amino acid position is conserved. In addition, this alteration is predicted to be deleterious by in silico analysis. Based on the available evidence, the clinical significance of this variant remains unclear.

NM_004168.4(SDHA):c.603G>T (p.Leu201Phe)

Gene: SDHA (succinate dehydrogenase complex flavoprotein subunit A; plus strand). Cytogenetic location: 5p15.33.
Variant type: single nucleotide variant.
Coding change: c.603G>T on transcript NM_004168.4 (MANE Select); coding-DNA position 603, G replaced by T.
Protein change: p.Leu201Phe; replaces leucine 201 with phenylalanine.
Molecular consequence: missense variant.
Genome position (GRCh38, 1-based): chr5:226,029, G>T. VCF-style: chr5-226029-G-T. GRCh37 (hg19) VCF-style: chr5-226144-G-T.
Other names: c.459G>T, p.Leu153Phe (NM_001294332.2); c.603G>T, p.Leu201Phe (NM_001330758.2); short protein forms L153F, L201F.
Identifiers: ClinVar variation 5029199 (VCV005029199.1).